The following is an entry in ClinVar:

ClinVar aggregate classification (germline): Uncertain significance (1 of 4 stars; one submission).

Conditions:
Landau-Kleffner syndrome (FESD). Also called: EPILEPSY, FOCAL, WITH SPEECH DISORDER AND WITH OR WITHOUT MENTAL RETARDATION; APHASIA, ACQUIRED, WITH EPILEPSY. Identifiers: Orphanet 1945, Orphanet 725, Orphanet 98818, MedGen C0282512, MONDO:0009509, OMIM 245570.

gnomAD v4.1: 1 of 1,614,000 alleles (0.000062%); highest among the groups gnomAD compares: African/African-American, 0.0013%; no homozygotes.

Submission:

Labcorp Genetics (formerly Invitae), Labcorp
Classification: Uncertain significance for Landau-Kleffner syndrome. Last evaluated: 2025-03-27. Review status: criteria provided, single submitter. Criteria: Invitae Variant Classification Sherloc (09022015). Collection method: clinical testing. Allele origin: germline.
Comment: This sequence change replaces serine, which is neutral and polar, with asparagine, which is neutral and polar, at codon 1204 of the GRIN2A protein (p.Ser1204Asn). This variant is not present in population databases (gnomAD no frequency). This variant has not been reported in the literature in individuals affected with GRIN2A-related conditions. Invitae Evidence Modeling of protein sequence and biophysical properties (such as structural, functional, and spatial information, amino acid conservation, physicochemical variation, residue mobility, and thermodynamic stability) indicates that this missense variant is not expected to disrupt GRIN2A protein function with a negative predictive value of 95%. In summary, the available evidence is currently insufficient to determine the role of this variant in disease. Therefore, it has been classified as a Variant of Uncertain Significance.

NM_001134407.3(GRIN2A):c.3611G>A (p.Ser1204Asn)

Gene: GRIN2A (glutamate ionotropic receptor NMDA type subunit 2A; minus strand). Cytogenetic location: 16p13.2.
Variant type: single nucleotide variant.
Coding change: c.3611G>A on transcript NM_001134407.3 (MANE Select); coding-DNA position 3611, G replaced by A.
Protein change: p.Ser1204Asn; replaces serine 1204 with asparagine.
Molecular consequence: missense variant.
Genome position (GRCh38, 1-based): chr16:9,763,933, C>T on the plus strand (G>A on the coding strand, the complement: GRIN2A is on the minus strand). VCF-style: chr16-9763933-C-T. GRCh37 (hg19) VCF-style: chr16-9857790-C-T.
Other names: c.3611G>A, p.Ser1204Asn (NM_000833.5, NM_001134408.2); short protein forms S1204N.
Identifiers: ClinVar variation 4773082 (VCV004773082.1).